The following is an entry in ClinVar:

NM_032578.4(MYPN):c.3158+6G>T

Gene: MYPN (myopalladin; plus strand). Cytogenetic location: 10q21.3.
Variant type: single nucleotide variant.
Coding change: c.3158+6G>T on transcript NM_032578.4 (MANE Select); 6 bases into the intron after coding-DNA position 3158, G replaced by T.
Molecular consequence: intron variant.
Genome position (GRCh38, 1-based): chr10:68,195,538, G>T. VCF-style: chr10-68195538-G-T. GRCh37 (hg19) VCF-style: chr10-69955295-G-T.
Other names: c.3158+6G>T (NM_001256267.2); c.2276+6G>T (NM_001256268.2).
Identifiers: ClinVar variation 2500062 (VCV002500062.3), dbSNP rs368175014, ClinGen allele CA5522960.

ClinVar aggregate classification (germline): Uncertain significance. Review status: criteria provided, multiple submitters, no conflicts (2 of 4 stars). 2 submissions from 2 submitters: Uncertain significance (2). Last evaluated 2025-04-25.

Conditions:
Dilated cardiomyopathy 1KK (CMD1KK). Identifiers: Orphanet 154, Orphanet 75249, MedGen C3714995, MONDO:0014100, OMIM 615248.
MYPN-related myopathy (CMYO24). Also called: Nemaline myopathy 11, autosomal recessive. Identifiers: MedGen C4479186, MONDO:0015023, OMIM 617336.

Allele frequency attached by ClinVar (database versions not stated): ExAC 0.00001.
gnomAD v4.1: 11 of 1,613,294 alleles (0.00068%); highest among the groups gnomAD compares: African/African-American, 0.0053%; no homozygotes.

Submissions (2):

Women's Health and Genetics/Laboratory Corporation of America, LabCorp
Classification: Uncertain significance. Last evaluated: 2025-04-25. Review status: criteria provided, single submitter. Criteria: LabCorp Variant Classification Summary - May 2015. Collection method: clinical testing. Allele origin: germline.

Center for Genomics, Ann and Robert H. Lurie Children's Hospital of Chicago
Classification: Uncertain significance for Dilated cardiomyopathy 1KK; MYPN-related myopathy. Review status: criteria provided, single submitter. Criteria: ACMG Guidelines, 2015. Collection method: clinical testing. Allele origin: germline.
Comment: MYPN NM_032578.3 exon 15 c.3158+6G>T: This variant has not been reported in the literature but is present in 0.002% (3/113672) of European alleles in the Genome Aggregation Database. Evolutionary conservation and computational predictive tools for this variant are limited or unavailable. This variant is an intronic variant; splice prediction tools suggest that this variant may not affect splicing. However, further studies are needed to understand its impact. In summary, data on this variant is insufficient for disease classification. Therefore, the clinical significance of this variant is uncertain.